The following is an entry in ClinVar:

NM_019109.5(ALG1):c.1103C>T (p.Thr368Met)

Gene: ALG1 (ALG1 chitobiosyldiphosphodolichol beta-mannosyltransferase; plus strand). Cytogenetic location: 16p13.3.
Variant type: single nucleotide variant.
Coding change: c.1103C>T on transcript NM_019109.5 (MANE Select); coding-DNA position 1103, C replaced by T.
Protein change: p.Thr368Met; replaces threonine 368 with methionine.
Molecular consequence: missense variant.
Genome position (GRCh38, 1-based): chr16:5,082,589, C>T. VCF-style: chr16-5082589-C-T. GRCh37 (hg19) VCF-style: chr16-5132590-C-T.
Other names: c.770C>T, p.Thr257Met (NM_001330504.2); short protein forms T257M, T368M.
Identifiers: ClinVar variation 1380446 (VCV001380446.6), dbSNP rs762385611, ClinGen allele CA7890232.

ClinVar aggregate classification (germline): Uncertain significance. Review status: criteria provided, multiple submitters, no conflicts (2 of 4 stars). 2 submissions from 2 submitters: Uncertain significance (2). Last evaluated 2024-01-19.

Conditions:
ALG1-congenital disorder of glycosylation. Also called: ALG1-CDG; CONGENITAL DISORDER OF GLYCOSYLATION, TYPE Ik; CDG Ik. Identifiers: Orphanet 79327, MedGen C2931005, MONDO:0012052, OMIM 608540.

Allele frequency attached by ClinVar (database versions not stated): gnomAD exomes 0.00001; ExAC 0.00002; TOPMed 0.00002.
gnomAD v4.1: 16 of 1,612,030 alleles (0.00099%); highest among the groups gnomAD compares: East Asian, 0.0022%; no homozygotes.

Submissions (2):

Fulgent Genetics
Classification: Uncertain significance for ALG1-congenital disorder of glycosylation. Last evaluated: 2024-01-19. Review status: criteria provided, single submitter. Criteria: ACMG Guidelines, 2015. Collection method: clinical testing. Allele origin: germline.

Labcorp Genetics (formerly Invitae), Labcorp
Classification: Uncertain significance for ALG1-congenital disorder of glycosylation. Last evaluated: 2022-04-20. Review status: criteria provided, single submitter. Criteria: Invitae Variant Classification Sherloc (09022015). Collection method: clinical testing. Allele origin: germline.
Comment: This sequence change replaces threonine, which is neutral and polar, with methionine, which is neutral and non-polar, at codon 368 of the ALG1 protein (p.Thr368Met). This variant is present in population databases (rs762385611, gnomAD 0.002%). This variant has not been reported in the literature in individuals affected with ALG1-related conditions. Advanced modeling of protein sequence and biophysical properties (such as structural, functional, and spatial information, amino acid conservation, physicochemical variation, residue mobility, and thermodynamic stability) performed at Invitae indicates that this missense variant is not expected to disrupt ALG1 protein function. In summary, the available evidence is currently insufficient to determine the role of this variant in disease. Therefore, it has been classified as a Variant of Uncertain Significance.